The following is an entry in ClinVar:

NM_000263.4(NAGLU):c.1622G>A (p.Arg541Gln)

Gene: NAGLU (N-acetyl-alpha-glucosaminidase; plus strand). Cytogenetic location: 17q21.2.
Variant type: single nucleotide variant.
Coding change: c.1622G>A on transcript NM_000263.4 (MANE Select); coding-DNA position 1622, G replaced by A.
Protein change: p.Arg541Gln; replaces arginine 541 with glutamine.
Molecular consequence: missense variant.
Genome position (GRCh38, 1-based): chr17:42,543,628, G>A. VCF-style: chr17-42543628-G-A. GRCh37 (hg19) VCF-style: chr17-40695646-G-A.
Other names: short protein forms R541Q.
Identifiers: ClinVar variation 2190733 (VCV002190733.1), dbSNP rs376300258, ClinGen allele CA8577061.

ClinVar aggregate classification (germline): Uncertain significance (1 of 4 stars; one submission).

Conditions:
Charcot-Marie-Tooth disease axonal type 2V. Also called: CHARCOT-MARIE-TOOTH NEUROPATHY, TYPE 2V; CHARCOT-MARIE-TOOTH DISEASE, AXONAL, AUTOSOMAL DOMINANT, TYPE 2V. Identifiers: Orphanet 447964, MedGen C5569050, MONDO:0014665, OMIM 616491.
Mucopolysaccharidosis, MPS-III-B (MPS3B). Also called: N-ACETYL-ALPHA-D-GLUCOSAMINIDASE DEFICIENCY; NAGLU DEFICIENCY; SANFILIPPO SYNDROME B; MPS III B; MUCOPOLYSACCHARIDOSIS, TYPE IIIB; Mucopolysaccharidosis type IIIB (Sanfilippo B). Identifiers: Orphanet 79270, MedGen C0086648, MONDO:0009656, OMIM 252920.

Allele frequency attached by ClinVar (database versions not stated): gnomAD exomes 0.00006; ESP Exome Variant Server 0.00015; ExAC 0.00001.

Submission:

Labcorp Genetics (formerly Invitae), Labcorp
Classification: Uncertain significance for Charcot-Marie-Tooth disease axonal type 2V; Mucopolysaccharidosis, MPS-III-B. Last evaluated: 2022-03-03. Review status: criteria provided, single submitter. Criteria: Invitae Variant Classification Sherloc (09022015). Collection method: clinical testing. Allele origin: germline.
Comment: This sequence change replaces arginine, which is basic and polar, with glutamine, which is neutral and polar, at codon 541 of the NAGLU protein (p.Arg541Gln). This variant is present in population databases (rs376300258, gnomAD 0.004%). This variant has not been reported in the literature in individuals affected with NAGLU-related conditions. Algorithms developed to predict the effect of missense changes on protein structure and function are either unavailable or do not agree on the potential impact of this missense change (SIFT: "Deleterious"; PolyPhen-2: "Benign"; Align-GVGD: "Class C0"). Experimental studies have shown that this missense change affects NAGLU function (PMID: 29979746). Algorithms developed to predict the effect of sequence changes on RNA splicing suggest that this variant may create or strengthen a splice site. In summary, the available evidence is currently insufficient to determine the role of this variant in disease. Therefore, it has been classified as a Variant of Uncertain Significance.

Literature cited by the submitters: PubMed 29979746.